The following is an entry in ClinVar:

NM_005477.3(HCN4):c.3122C>T (p.Ala1041Val)

Gene: HCN4 (hyperpolarization activated cyclic nucleotide gated potassium channel 4; minus strand). Cytogenetic location: 15q24.1.
Variant type: single nucleotide variant.
Coding change: c.3122C>T on transcript NM_005477.3 (MANE Select); coding-DNA position 3122, C replaced by T.
Protein change: p.Ala1041Val; replaces alanine 1041 with valine.
Molecular consequence: missense variant.
Genome position (GRCh38, 1-based): chr15:73,322,971, G>A on the plus strand (C>T on the coding strand, the complement: HCN4 is on the minus strand). VCF-style: chr15-73322971-G-A. GRCh37 (hg19) VCF-style: chr15-73615312-G-A.
Other names: short protein forms A1041V.
Identifiers: ClinVar variation 3224722 (VCV003224722.3), dbSNP rs1383129906, ClinGen allele CA393086169.

ClinVar aggregate classification (germline): Uncertain significance. Review status: criteria provided, multiple submitters, no conflicts (2 of 4 stars). 2 submissions from 2 submitters: Uncertain significance (2). Last evaluated 2025-04-24.

Conditions:
Cardiovascular phenotype. Identifiers: MedGen CN230736.
Brugada syndrome 8 (BRGDA8). Identifiers: Orphanet 130, MedGen C2751083, MONDO:0013148, OMIM 613123.

Allele frequency attached by ClinVar (database versions not stated): gnomAD exomes below 0.00001; TOPMed below 0.00001; gnomAD 0.00001.
gnomAD v4.1: 3 of 1,428,870 alleles (0.00021%); highest among the groups gnomAD compares: African/African-American, 0.0014%; no homozygotes.

Submissions (2):

Labcorp Genetics (formerly Invitae), Labcorp
Classification: Uncertain significance for Brugada syndrome 8. Last evaluated: 2025-04-24. Review status: criteria provided, single submitter. Criteria: Invitae Variant Classification Sherloc (09022015). Collection method: clinical testing. Allele origin: germline.
Comment: This sequence change replaces alanine, which is neutral and non-polar, with valine, which is neutral and non-polar, at codon 1041 of the HCN4 protein (p.Ala1041Val). This variant is present in population databases (no rsID available, gnomAD 0.007%). This variant has not been reported in the literature in individuals affected with HCN4-related conditions. ClinVar contains an entry for this variant (Variation ID: 3224722). Invitae Evidence Modeling of protein sequence and biophysical properties (such as structural, functional, and spatial information, amino acid conservation, physicochemical variation, residue mobility, and thermodynamic stability) indicates that this missense variant is not expected to disrupt HCN4 protein function with a negative predictive value of 95%. In summary, the available evidence is currently insufficient to determine the role of this variant in disease. Therefore, it has been classified as a Variant of Uncertain Significance.

Ambry Genetics
Classification: Uncertain significance for Cardiovascular phenotype. Last evaluated: 2023-12-29. Review status: criteria provided, single submitter. Criteria: Ambry Variant Classification Scheme 2023. Collection method: clinical testing. Allele origin: germline.
Comment: The p.A1041V variant (also known as c.3122C>T), located in coding exon 8 of the HCN4 gene, results from a C to T substitution at nucleotide position 3122. The alanine at codon 1041 is replaced by valine, an amino acid with similar properties. This amino acid position is conserved. In addition, the in silico prediction for this alteration is inconclusive. Since supporting evidence is limited at this time, the clinical significance of this alteration remains unclear.